The following is an entry in ClinVar:

ClinVar aggregate classification (germline): Uncertain significance (1 of 4 stars; one submission).

Conditions:
Deficiency of hydroxymethylglutaryl-CoA lyase (HMGCLD). Also called: HMG-CoA LYASE DEFICIENCY; HMGCL DEFICIENCY; HYDROXYMETHYLGLUTARIC ACIDURIA; Defect in leucine metabolism; 3-hydroxy-3-methylglutaric aciduria. Identifiers: Orphanet 20, MedGen C1533587, MONDO:0009520, OMIM 246450.

Allele frequency attached by ClinVar (database versions not stated): gnomAD exomes below 0.00001.
gnomAD v4.1: 1 of 1,611,392 alleles (0.000062%); highest among the groups gnomAD compares: South Asian, 0.0011%; no homozygotes.

Submission:

Labcorp Genetics (formerly Invitae), Labcorp
Classification: Uncertain significance for Deficiency of hydroxymethylglutaryl-CoA lyase. Last evaluated: 2025-02-19. Review status: criteria provided, single submitter. Criteria: Invitae Variant Classification Sherloc (09022015). Collection method: clinical testing. Allele origin: germline.
Comment: This sequence change replaces lysine, which is basic and polar, with glutamic acid, which is acidic and polar, at codon 111 of the HMGCL protein (p.Lys111Glu). This variant is not present in population databases (gnomAD no frequency). This variant has not been reported in the literature in individuals affected with HMGCL-related conditions. ClinVar contains an entry for this variant (Variation ID: 1496554). Invitae Evidence Modeling of protein sequence and biophysical properties (such as structural, functional, and spatial information, amino acid conservation, physicochemical variation, residue mobility, and thermodynamic stability) indicates that this missense variant is not expected to disrupt HMGCL protein function with a negative predictive value of 80%. In summary, the available evidence is currently insufficient to determine the role of this variant in disease. Therefore, it has been classified as a Variant of Uncertain Significance.

NM_000191.3(HMGCL):c.331A>G (p.Lys111Glu)

Gene: HMGCL (3-hydroxy-3-methylglutaryl-CoA lyase; minus strand). Cytogenetic location: 1p36.11.
Variant type: single nucleotide variant.
Coding change: c.331A>G on transcript NM_000191.3 (MANE Select); coding-DNA position 331, A replaced by G.
Protein change: p.Lys111Glu; replaces lysine 111 with glutamic acid.
Molecular consequence: missense variant.
Genome position (GRCh38, 1-based): chr1:23,816,692, T>C on the plus strand (A>G on the coding strand, the complement: HMGCL is on the minus strand). VCF-style: chr1-23816692-T-C. GRCh37 (hg19) VCF-style: chr1-24143182-T-C.
Other names: c.331A>G, p.Lys111Glu (NM_001166059.2); short protein forms K111E.
Identifiers: ClinVar variation 1496554 (VCV001496554.8), dbSNP rs1638619737, ClinGen allele CA339028522.
Genomic context (GRCh38, chr1:23,816,692, plus strand): 5'-CAATCTCATTTCAGGAGCCCCCACCAACAAGCTATCCTCTTACCGCTGCCTCGAAGCCTT[T>C]CAAATTTGGGGTCAGGACTGGGTAGTTGATGCCAGGAAACTTCTGAATGCCCTTCAAGAC-3'
Protein context (NP_000182.2, residues 101-121): INYPVLTPNL[Lys111Glu]GFEAAVAAGA